The following is an entry in ClinVar:

ClinVar aggregate classification (germline): Likely benign (1 of 4 stars; one submission).

Allele frequency attached by ClinVar (database versions not stated): 1000 Genomes Project 30x 0.00172; ESP Exome Variant Server 0.00234; gnomAD exomes 0.00370; gnomAD 0.00392; ExAC 0.00520.

Submission:

CeGaT Center for Human Genetics Tuebingen
Classification: Likely benign. Last evaluated: 2023-04-01. Review status: criteria provided, single submitter. Criteria: CeGaT Center For Human Genetics Tuebingen Variant Classification Criteria Version 2. Collection method: clinical testing. Allele origin: germline. Affected: yes. Observed: 2 variant alleles.
Comment: FFAR3: BP4, BP7

NM_005304.5(FFAR3):c.960G>A (p.Ala320=)

Gene: FFAR3 (free fatty acid receptor 3; plus strand). Cytogenetic location: 19q13.12.
Variant type: single nucleotide variant.
Coding change: c.960G>A on transcript NM_005304.5 (MANE Select); coding-DNA position 960, G replaced by A.
Protein change: p.Ala320=; no amino-acid change (alanine 320 retained).
Molecular consequence: synonymous variant.
Genome position (GRCh38, 1-based): chr19:35,359,850, G>A. VCF-style: chr19-35359850-G-A. GRCh37 (hg19) VCF-style: chr19-35850752-G-A.
Identifiers: ClinVar variation 2649718 (VCV002649718.24), dbSNP rs137994496, ClinGen allele CA9377773.